The following is an entry in ClinVar:

ClinVar aggregate classification (germline): Pathogenic/Likely pathogenic. Review status: criteria provided, multiple submitters, no conflicts (2 of 4 stars). 14 submissions from 14 submitters: Pathogenic (11); Likely pathogenic (2). 1 of the submissions does not count toward it. Last evaluated 2026-05-22.

Conditions:
ABCA4-related retinopathy. Also called: ABCA4-related retinoapthy; ABCA4 retinoapthy. Identifiers: MedGen CN322612, MONDO:0800406.
ABCA4-related disorder. Also called: ABCA4-related condition; ABCA4-related disorders. Identifiers: MedGen CN239167.
Retinal dystrophy. Also called: Inherited retinal dystrophy. Identifiers: Orphanet 71862, MedGen C0854723, MeSH D058499, MONDO:0019118, HP:0000556.
Cone-rod dystrophy 3 (CORD3). Identifiers: Orphanet 1872, MedGen C1858806, MONDO:0011395, OMIM 604116.
Retinitis pigmentosa 19 (RP19). Also called: ABCA4-Related Retinitis Pigmentosa. Identifiers: Orphanet 791, MedGen C1866422, MONDO:0011137, OMIM 601718.
Severe early-childhood-onset retinal dystrophy (STGD1). Also called: MACULAR DYSTROPHY WITH FLECKS, TYPE 1; STGD; Stargardt disease 1; Stargardt macular dystrophy; Juvenile onset macular degeneration. Identifiers: Orphanet 364055, Orphanet 827, MedGen C1855465, MeSH D000080362, MONDO:0009549, OMIM 248200.
Retinitis pigmentosa (RP). Identifiers: Orphanet 791, MedGen C0035334, MeSH D012174, MONDO:0019200, OMIM 268000. Inheritance: Autosomal dominant, autosomal recessive and X linked inheritance.
Age related macular degeneration 2. Also called: MACULAR DEGENERATION, SENILE; MACULOPATHY, AGE-RELATED, 2; MACULOPATHY, AGE-RELATED. Identifiers: MedGen C3495438, MONDO:0007932, OMIM 153800.
Stargardt disease (FFM). Also called: Fundus flavimaculatus; Stargardt's disease. Identifiers: Orphanet 827, MedGen C0271093, MONDO:0019353.

Allele frequency attached by ClinVar (database versions not stated): gnomAD exomes 0.00008 and 0.00010; ExAC 0.00012; ESP Exome Variant Server 0.00015; 1000 Genomes Project 30x 0.00016; TOPMed 0.00028; gnomAD 0.00030 and 0.00034; 1000 Genomes Project 0.00020.
gnomAD v4.1: 159 of 1,614,108 alleles (0.0099%); highest among the groups gnomAD compares: African/African-American, 0.077%; no homozygotes.

Submissions (14):

PreventionGenetics, part of Exact Sciences
Classification: Pathogenic for ABCA4-related condition. Last evaluated: 2026-05-22. Review status: criteria provided, single submitter. Criteria: ACMG Guidelines, 2015. Collection method: clinical testing. Allele origin: germline.
Comment: The ABCA4 c.6316C>T variant is predicted to result in the amino acid substitution p.Arg2106Cys. This variant has been reported, in the homozygous state or in the heterozygous state along with a second ABCA4 variant, in multiple individuals with ABCA4-related conditions (for example, Table S1, Lin et al. 2024. PubMed ID: 38219857; Table S2, Del Pozo-Valero et al. 2022. PubMed ID: 35119454; Duncker et al. 2015. PubMed ID: 25283059). This variant is reported in 0.076% of alleles in individuals of African descent in gnomAD. This variant is interpreted as pathogenic.

Labcorp Genetics (formerly Invitae), Labcorp
Classification: Pathogenic. Last evaluated: 2026-01-05. Review status: criteria provided, single submitter. Criteria: Invitae Variant Classification Sherloc (09022015). Collection method: clinical testing. Allele origin: germline.
Comment: This sequence change replaces arginine, which is basic and polar, with cysteine, which is neutral and slightly polar, at codon 2106 of the ABCA4 protein (p.Arg2106Cys). This variant is present in population databases (rs61750648, gnomAD 0.08%). This missense change has been observed in individual(s) with Stargardt disease (PMID: 11379881, 23143460, 25283059, 28355279). In at least one individual the data is consistent with being in trans (on the opposite chromosome) from a pathogenic variant. ClinVar contains an entry for this variant (Variation ID: 99447). Invitae Evidence Modeling of protein sequence and biophysical properties (such as structural, functional, and spatial information, amino acid conservation, physicochemical variation, residue mobility, and thermodynamic stability) indicates that this missense variant is expected to disrupt ABCA4 protein function with a positive predictive value of 95%. Experimental studies have shown that this missense change affects ABCA4 function (PMID: 11017087). This variant disrupts the p.Arg2106 amino acid residue in ABCA4. Other variant(s) that disrupt this residue have been observed in individuals with ABCA4-related conditions (PMID: 26161775, 28327576), which suggests that this may be a clinically significant amino acid residue. For these reasons, this variant has been classified as Pathogenic.

First Genomix Gene Laboratory, Genetic Diagnostics Department
Classification: Pathogenic for Cone-rod dystrophy 3; Severe early-childhood-onset retinal dystrophy; Retinitis pigmentosa 19. Last evaluated: 2025-04-10. Review status: criteria provided, single submitter. Criteria: ACMG Guidelines, 2015. Collection method: clinical testing. Allele origin: germline. Inheritance: Autosomal recessive inheritance. Affected: no. Observed: 1 variant allele.

Institute of Human Genetics, University of Leipzig Medical Center
Classification: Pathogenic for Age related macular degeneration 2. Last evaluated: 2024-10-18. Review status: criteria provided, single submitter. Criteria: ACMG Guidelines, 2015. Collection method: clinical testing. Allele origin: unknown. Inheritance: Autosomal dominant inheritance. Affected: yes.
Comment: Criteria applied: PM3_VSTR,PM5,PM2_SUP,PP3

Lab De Baere, Eye and Developmental Genetics Lab, Ghent University
Classification: Pathogenic for Retinitis pigmentosa. Last evaluated: 2024-10-01. Review status: criteria provided, single submitter. Criteria: ACMG Guidelines, 2015. Collection method: research. Allele origin: inherited. Affected: yes. Observed: 1 variant allele.
Comment: ACMG/AMP guidelines: PM2, PP3, PM5, PP1, PM3_PS

Blueprint Genetics
Classification: Pathogenic for ABCA4-related disorders. Last evaluated: 2024-07-25. Review status: criteria provided, single submitter. Criteria: ACMG Guidelines, 2015. Collection method: clinical testing. Allele origin: germline. Affected: yes. Observed: 5 variant alleles.

Dept Of Ophthalmology, Nagoya University
Classification: Likely pathogenic for Retinal dystrophy. Last evaluated: 2023-10-01. Review status: criteria provided, single submitter. Criteria: Submitter's publication. Collection method: research. Allele origin: germline. Affected: yes.

Institute of Human Genetics, Univ. Regensburg, Univ. Regensburg
Classification: Pathogenic for Retinal dystrophy. Last evaluated: 2023-01-01. Review status: criteria provided, single submitter. Criteria: ACMG Guidelines, 2015. Collection method: clinical testing. Allele origin: germline. Affected: yes.

Department of Pathology and Laboratory Medicine, Sinai Health System
Classification: Pathogenic for ABCA4-related retinopathy. Last evaluated: 2022-07-05. Review status: criteria provided, single submitter. Criteria: ACMG Guidelines, 2015. Collection method: research. Allele origin: germline.

MGZ Medical Genetics Center
Classification: Likely pathogenic for Severe early-childhood-onset retinal dystrophy. Last evaluated: 2021-12-20. Review status: criteria provided, single submitter. Criteria: ACMG Guidelines, 2015. Collection method: clinical testing. Allele origin: germline. Affected: yes. Observed: 1 variant allele.
Comment: ACMG criteria applied: PS3, PM2_SUP, PP3

GeneDx
Classification: Pathogenic. Last evaluated: 2021-11-19. Review status: criteria provided, single submitter. Criteria: GeneDx Variant Classification Process June 2021. Collection method: clinical testing. Allele origin: germline. Affected: yes.
Comment: In silico analysis, which includes protein predictors and evolutionary conservation, supports a deleterious effect; This variant is associated with the following publications: (PMID: 11379881, 9054934, 23143460, 25066811, 28044389, 28355279, 25283059, 30903310, 34426522, 31589614, 29114839, 32619608)

Revvity Omics, Revvity
Classification: Pathogenic. Last evaluated: 2019-10-31. Review status: criteria provided, single submitter. Criteria: ACMG Guidelines, 2015. Collection method: clinical testing. Allele origin: germline.

Laboratory for Molecular Medicine, Mass General Brigham Personalized Medicine
Classification: Pathogenic for Stargardt disease. Last evaluated: 2017-03-09. Review status: criteria provided, single submitter. Criteria: ACMG Guidelines, 2015. Collection method: clinical testing. Allele origin: germline. Inheritance: Autosomal recessive inheritance.
Comment: The p.Arg2106Cys variant in ABCA4 has been reported in at least 5 individuals (compound heterozygotes) with Stargardt disease (Allikmets 1997, Zernant 2011, Downes 2012, Zernant 2014, Schulz 2017). This variant has also been identified in 0.04% (4/10392) of African chromosomes by the Exome Aggregation Consortium (ExAC; dbSNP rs61750648). Although this variant has been seen in the general population, its frequency is low enough to be consistent with a recessive carrier frequency. Computational prediction tools and conservation analysis are consistent with pathogenicity. In summary, this variant meets criteria to be classified as pathogenic for Stargardt disease in an autosomal recessive manner based upon case studies and low frequency in controls.

Retina International
No classification provided. Review status: no classification provided. Collection method: not provided. Allele origin: not provided. Not counted in ClinVar's aggregate classification.

Literature cited by the submitters: PubMed 11379881 (cited by Labcorp Genetics (formerly Invitae), Labcorp); PubMed 23143460 (cited by Labcorp Genetics (formerly Invitae), Labcorp and Laboratory for Molecular Medicine, Mass General Brigham Personalized Medicine); PubMed 25283059 (cited by Labcorp Genetics (formerly Invitae), Labcorp and Institute of Human Genetics, Univ. Regensburg, Univ. Regensburg); PubMed 28355279 (cited by Labcorp Genetics (formerly Invitae), Labcorp); PubMed 11017087 (cited by Labcorp Genetics (formerly Invitae), Labcorp); PubMed 26161775 (cited by Labcorp Genetics (formerly Invitae), Labcorp); PubMed 28327576 (cited by Labcorp Genetics (formerly Invitae), Labcorp); PubMed 9054934 (cited by Institute of Human Genetics, Univ. Regensburg, Univ. Regensburg and Laboratory for Molecular Medicine, Mass General Brigham Personalized Medicine); PubMed 29114839 (cited by Institute of Human Genetics, Univ. Regensburg, Univ. Regensburg); PubMed 31589614 (cited by Institute of Human Genetics, Univ. Regensburg, Univ. Regensburg); PubMed 31213501 (cited by Institute of Human Genetics, Univ. Regensburg, Univ. Regensburg); PubMed 32619608 (cited by Institute of Human Genetics, Univ. Regensburg, Univ. Regensburg); PubMed 31964843 (cited by Institute of Human Genetics, Univ. Regensburg, Univ. Regensburg); PubMed 32307445 (cited by Institute of Human Genetics, Univ. Regensburg, Univ. Regensburg); PubMed 34426522 (cited by Institute of Human Genetics, Univ. Regensburg, Univ. Regensburg); PubMed 35119454 (cited by Institute of Human Genetics, Univ. Regensburg, Univ. Regensburg); PubMed 35260635 (cited by Institute of Human Genetics, Univ. Regensburg, Univ. Regensburg); PubMed 36460718 (cited by Institute of Human Genetics, Univ. Regensburg, Univ. Regensburg); PubMed 28118664 (cited by Institute of Human Genetics, Univ. Regensburg, Univ. Regensburg and Laboratory for Molecular Medicine, Mass General Brigham Personalized Medicine); PubMed 25066811 (cited by Laboratory for Molecular Medicine, Mass General Brigham Personalized Medicine); PubMed 21911583 (cited by Laboratory for Molecular Medicine, Mass General Brigham Personalized Medicine).

NM_000350.3(ABCA4):c.6316C>T (p.Arg2106Cys)

Gene: ABCA4 (ATP binding cassette subfamily A member 4; minus strand). Cytogenetic location: 1p22.1.
Variant type: single nucleotide variant.
Coding change: c.6316C>T on transcript NM_000350.3 (MANE Select); coding-DNA position 6316, C replaced by T.
Protein change: p.Arg2106Cys; replaces arginine 2106 with cysteine.
Molecular consequence: missense variant.
Genome position (GRCh38, 1-based): chr1:94,001,072, G>A on the plus strand (C>T on the coding strand, the complement: ABCA4 is on the minus strand). VCF-style: chr1-94001072-G-A. GRCh37 (hg19) VCF-style: chr1-94466628-G-A.
Other names: c.6094C>T, p.Arg2032Cys (NM_001425324.1); short protein forms R2106C, R2032C.
Identifiers: ClinVar variation 99447 (VCV000099447.31), dbSNP rs61750648, ClinGen allele CA227388.